The following is an entry in ClinVar:

ClinVar aggregate classification (germline): Pathogenic (1 of 4 stars; one submission).

Submission:

Labcorp Genetics (formerly Invitae), Labcorp
Classification: Pathogenic. Last evaluated: 2024-07-15. Review status: criteria provided, single submitter. Criteria: Invitae Variant Classification Sherloc (09022015). Collection method: clinical testing. Allele origin: germline.
Comment: This sequence change replaces proline, which is neutral and non-polar, with threonine, which is neutral and polar, at codon 1244 of the MYO7A protein (p.Pro1244Thr). This variant is not present in population databases (gnomAD no frequency). This missense change has been observed in individual(s) with clinical features of Usher syndrome (Invitae). In at least one individual the data is consistent with being in trans (on the opposite chromosome) from a pathogenic variant. Advanced modeling of protein sequence and biophysical properties (such as structural, functional, and spatial information, amino acid conservation, physicochemical variation, residue mobility, and thermodynamic stability) performed at Invitae indicates that this missense variant is expected to disrupt MYO7A protein function with a positive predictive value of 95%. This variant disrupts the p.Pro1244 amino acid residue in MYO7A. Other variant(s) that disrupt this residue have been observed in individuals with MYO7A-related conditions (PMID: 16470552), which suggests that this may be a clinically significant amino acid residue. For these reasons, this variant has been classified as Pathogenic.

Literature cited by the submitters: PubMed 16470552.

NM_000260.4(MYO7A):c.3730C>A (p.Pro1244Thr)

Gene: MYO7A (myosin VIIA; plus strand). Cytogenetic location: 11q13.5.
Variant type: single nucleotide variant.
Coding change: c.3730C>A on transcript NM_000260.4 (MANE Select); coding-DNA position 3730, C replaced by A.
Protein change: p.Pro1244Thr; replaces proline 1244 with threonine.
Molecular consequence: missense variant.
Genome position (GRCh38, 1-based): chr11:77,190,119, C>A. VCF-style: chr11-77190119-C-A. GRCh37 (hg19) VCF-style: chr11-76901164-C-A.
Other names: c.3730C>A, p.Pro1244Thr (NM_001127180.2); c.3697C>A, p.Pro1233Thr (NM_001369365.1); short protein forms P1244T, P1233T.
Identifiers: ClinVar variation 3634266 (VCV003634266.2).